The following is an entry in ClinVar:

NM_001042492.3(NF1):c.7921_7924dup (p.Tyr2642Ter)

Gene: NF1 (neurofibromin 1; plus strand). Cytogenetic location: 17q11.2.
Variant type: Duplication.
Coding change: c.7921_7924dup on transcript NM_001042492.3 (MANE Select); coding-DNA positions 7921 to 7924, 4 bases duplicated (GAAT; older notation c.7921_7924dupGAAT).
Protein change: p.Tyr2642Ter; replaces tyrosine 2642 with a stop codon.
Molecular consequence: nonsense. On other transcripts: frameshift variant (1).
Genome position (GRCh38, 1-based): chr17:31,357,320-31,357,323, GAAT duplicated; duplicating any 4 consecutive bases within chr17:31,357,318-31,357,323 gives the same sequence; the c. name uses the placement nearest the transcript's 3' end. VCF-style (leftmost placement, unchanged base first): chr17-31357317-T-TATGA. GRCh37 (hg19) VCF-style: chr17-29684335-T-TATGA.
Other names: c.7858_7861dup, p.Tyr2621Terfs (NM_000267.4); short protein forms Y2621*, Y2642*.
Identifiers: ClinVar variation 2813628 (VCV002813628.3), dbSNP rs2508830068, ClinGen allele CA2739267294.

ClinVar aggregate classification (germline): Pathogenic (1 of 4 stars; one submission).

Conditions:
Neurofibromatosis, type 1 (NF1). Also called: NEUROFIBROMATOSIS, TYPE I, SOMATIC; Peripheral type neurofibromatosis; VON RECKLINGHAUSEN DISEASE; Neurofibromatosis, type I. Identifiers: Orphanet 636, MedGen C0027831, MONDO:0018975, OMIM 162200. Disease mechanism: loss of function.

Submission:

Labcorp Genetics (formerly Invitae), Labcorp
Classification: Pathogenic for Neurofibromatosis, type 1. Last evaluated: 2022-11-11. Review status: criteria provided, single submitter. Criteria: Invitae Variant Classification Sherloc (09022015). Collection method: clinical testing. Allele origin: germline.
Comment: This sequence change creates a premature translational stop signal (p.Tyr2621*) in the NF1 gene. It is expected to result in an absent or disrupted protein product. Loss-of-function variants in NF1 are known to be pathogenic (PMID: 10712197, 23913538). This variant is not present in population databases (gnomAD no frequency). This variant has not been reported in the literature in individuals affected with NF1-related conditions. For these reasons, this variant has been classified as Pathogenic.

Literature cited by the submitters: PubMed 10712197; PubMed 23913538.